The following is an entry in ClinVar:

NM_032634.4(PIGO):c.196C>T (p.Arg66Ter)

Gene: PIGO (phosphatidylinositol glycan anchor biosynthesis class O; minus strand). Cytogenetic location: 9p13.3.
Variant type: single nucleotide variant.
Coding change: c.196C>T on transcript NM_032634.4 (MANE Select); coding-DNA position 196, C replaced by T.
Protein change: p.Arg66Ter; replaces arginine 66 with a stop codon.
Molecular consequence: nonsense.
Genome position (GRCh38, 1-based): chr9:35,095,370, G>A on the plus strand (C>T on the coding strand, the complement: PIGO is on the minus strand). VCF-style: chr9-35095370-G-A. GRCh37 (hg19) VCF-style: chr9-35095367-G-A.
Other names: c.196C>T, p.Arg66Ter (NM_001201484.2, NM_152850.4); short protein forms R66*.
Identifiers: ClinVar variation 651005 (VCV000651005.8), dbSNP rs763992668, ClinGen allele CA5040995.
Genomic context (GRCh38, chr9:35,095,370, plus strand): 5'-GGGGCTGGGCGAAGTCAAATCGCAGAGCATCTATCAGCACCAACACAACCCGCGAAAATC[G>A]GGAAGCCATCCAGCAGGCCCCAGGTTTCCCTTGGCTCCCCCATGGCAGGGACCCAGGGCC-3'

ClinVar aggregate classification (germline): Pathogenic (1 of 4 stars; one submission).

Conditions:
Hyperphosphatasia with impaired intellectual development syndrome 2. Also called: Hyperphosphatasia with intellectual disability syndrome 2; GLYCOSYLPHOSPHATIDYLINOSITOL BIOSYNTHESIS DEFECT 6. Identifiers: Orphanet 247262, MedGen C3553637, MONDO:0013882, OMIM 614749.

Allele frequency attached by ClinVar (database versions not stated): TOPMed 0.00001; ExAC 0.00001.
gnomAD v4.1: 4 of 1,614,134 alleles (0.00025%); highest among the groups gnomAD compares: South Asian, 0.0022%; no homozygotes.

Submission:

Labcorp Genetics (formerly Invitae), Labcorp
Classification: Pathogenic for Hyperphosphatasia with impaired intellectual development syndrome 2. Last evaluated: 2019-05-12. Review status: criteria provided, single submitter. Criteria: Invitae Variant Classification Sherloc (09022015). Collection method: clinical testing. Allele origin: germline.
Comment: This sequence change creates a premature translational stop signal (p.Arg66*) in the PIGO gene. It is expected to result in an absent or disrupted protein product. This variant is present in population databases (rs763992668, ExAC 0.006%). This variant has not been reported in the literature in individuals with PIGO-related disease. Loss-of-function variants in PIGO are known to be pathogenic (PMID: 22683086, 24417746). For these reasons, this variant has been classified as Pathogenic.

Literature cited by the submitters: PubMed 22683086; PubMed 24417746.